The following is an entry in ClinVar:

ClinVar aggregate classification (germline): Benign/Likely benign. Review status: criteria provided, multiple submitters, no conflicts (2 of 4 stars). 4 submissions from 4 submitters: Benign (1); Likely benign (3). Last evaluated 2025-04-18.

Conditions:
TBX5-related disorder. Also called: TBX5-related condition.
Cardiovascular phenotype. Identifiers: MedGen CN230736.
Aortic valve disease 2 (AOVD2). Identifiers: MedGen C3542024, MONDO:0013902, OMIM 614823.

Allele frequency attached by ClinVar (database versions not stated): TOPMed 0.00004; ExAC 0.00006; ESP Exome Variant Server 0.00038; gnomAD 0.00004; gnomAD exomes 0.00004.
gnomAD v4.1: 97 of 1,614,082 alleles (0.006%); highest among the groups gnomAD compares: African/African-American, 0.013%; no homozygotes.

Submissions (4):

PreventionGenetics, part of Exact Sciences
Classification: Likely benign for TBX5-related condition. Last evaluated: 2025-04-18. Review status: criteria provided, single submitter. Criteria: ACMG Guidelines, 2015. Collection method: clinical testing. Allele origin: germline.
Comment: This variant is classified as likely benign based on ACMG/AMP sequence variant interpretation guidelines (Richards et al. 2015 PMID: 25741868, with internal and published modifications).

Blueprint Genetics
Classification: Benign. Last evaluated: 2024-04-08. Review status: criteria provided, single submitter. Criteria: ACMG Guidelines, 2015. Collection method: clinical testing. Allele origin: germline.

Labcorp Genetics (formerly Invitae), Labcorp
Classification: Likely benign for Aortic valve disease 2. Last evaluated: 2023-04-03. Review status: criteria provided, single submitter. Criteria: Invitae Variant Classification Sherloc (09022015). Collection method: clinical testing. Allele origin: germline.

Ambry Genetics
Classification: Likely benign for Cardiovascular phenotype. Last evaluated: 2019-05-17. Review status: criteria provided, single submitter. Criteria: Ambry Variant Classification Scheme 2023. Collection method: clinical testing. Allele origin: germline.

NM_181486.4(TBX5):c.639A>G (p.Ala213=)

Gene: TBX5 (T-box transcription factor 5; minus strand). Cytogenetic location: 12q24.21.
Variant type: single nucleotide variant.
Coding change: c.639A>G on transcript NM_181486.4 (MANE Select); coding-DNA position 639, A replaced by G.
Protein change: p.Ala213=; no amino-acid change (alanine 213 retained).
Molecular consequence: synonymous variant.
Genome position (GRCh38, 1-based): chr12:114,394,765, T>C on the plus strand (A>G on the coding strand, the complement: TBX5 is on the minus strand). VCF-style: chr12-114394765-T-C. GRCh37 (hg19) VCF-style: chr12-114832570-T-C.
Other names: c.639A>G, p.Ala213= (NM_000192.3); c.489A>G, p.Ala163= (NM_080717.4).
Identifiers: ClinVar variation 700311 (VCV000700311.14), dbSNP rs149274578, ClinGen allele CA6809560.